The following is an entry in ClinVar:

NM_002474.3(MYH11):c.790+5C>T

Gene: MYH11 (myosin heavy chain 11; minus strand). Cytogenetic location: 16p13.11.
Variant type: single nucleotide variant.
Coding change: c.790+5C>T on transcript NM_002474.3 (MANE Select); 5 bases into the intron after coding-DNA position 790, C replaced by T.
Molecular consequence: intron variant.
Genome position (GRCh38, 1-based): chr16:15,778,775, G>A on the plus strand (C>T on the coding strand, the complement: MYH11 is on the minus strand). VCF-style: chr16-15778775-G-A. GRCh37 (hg19) VCF-style: chr16-15872632-G-A.
Other names: c.790+5C>T (NM_022844.3); c.811+5C>T (NM_001040114.2, NM_001040113.2).
Identifiers: ClinVar variation 3071760 (VCV003071760.1), dbSNP rs2506577680, ClinGen allele CA2825002403.

ClinVar aggregate classification (germline): Uncertain significance (1 of 4 stars; one submission).

Conditions:
Familial thoracic aortic aneurysm and aortic dissection (TAAD). Also called: Thoracic aortic aneurysms and dissections. Identifiers: Orphanet 91387, MedGen C4707243, MONDO:0019625.

Submission:

All of Us Research Program, National Institutes of Health
Classification: Uncertain significance for Familial thoracic aortic aneurysm and aortic dissection. Last evaluated: 2023-06-26. Review status: criteria provided, single submitter. Criteria: ACMG Guidelines, 2015. Collection method: clinical testing. Allele origin: germline. Inheritance: Autosomal dominant inheritance. Observed: 1 variant allele, 1 heterozygote.
Comment: This variant causes a C to T nucleotide substitution at the +5 position of intron 8 of the MYH11 gene. To our knowledge, functional studies have not been reported for this variant. This variant has not been reported in individuals affected with MYH11-related disorders in the literature. This variant has not been identified in the general population by the Genome Aggregation Database (gnomAD). The available evidence is insufficient to determine the role of this variant in disease conclusively. Therefore, this variant is classified as a Variant of Uncertain Significance.

This study involves interpretation of variants in research participants for the purpose of population health screening. Participant phenotype was not available at the time of variant classification. Additional details can be found in publication PMID: 35346344, PMCID: PMC8962531